The following is an entry in ClinVar:

ClinVar aggregate classification (germline): Uncertain significance. Review status: criteria provided, multiple submitters, no conflicts (2 of 4 stars). 2 submissions from 2 submitters: Uncertain significance (2). Last evaluated 2025-02-24.

Conditions:
Inborn genetic diseases. Identifiers: MedGen C0950123, MeSH D030342.

Allele frequency attached by ClinVar (database versions not stated): gnomAD exomes below 0.00001.

Submissions (2):

Labcorp Genetics (formerly Invitae), Labcorp
Classification: Uncertain significance. Last evaluated: 2025-02-24. Review status: criteria provided, single submitter. Criteria: Invitae Variant Classification Sherloc (09022015). Collection method: clinical testing. Allele origin: germline.
Comment: This sequence change replaces serine, which is neutral and polar, with proline, which is neutral and non-polar, at codon 404 of the ANKH protein (p.Ser404Pro). This variant is present in population databases (no rsID available, gnomAD 0.0009%). This variant has not been reported in the literature in individuals affected with ANKH-related conditions. ClinVar contains an entry for this variant (Variation ID: 1499295). Invitae Evidence Modeling of protein sequence and biophysical properties (such as structural, functional, and spatial information, amino acid conservation, physicochemical variation, residue mobility, and thermodynamic stability) indicates that this missense variant is not expected to disrupt ANKH protein function with a negative predictive value of 80%. In summary, the available evidence is currently insufficient to determine the role of this variant in disease. Therefore, it has been classified as a Variant of Uncertain Significance.

Ambry Genetics
Classification: Uncertain significance for Inborn genetic diseases. Last evaluated: 2024-12-25. Review status: criteria provided, single submitter. Criteria: Ambry Variant Classification Scheme 2023. Collection method: clinical testing. Allele origin: germline.

NM_054027.6(ANKH):c.1210T>C (p.Ser404Pro)

Genes: ANKH (ANKH inorganic pyrophosphate transport regulator; minus strand), OTULIN (OTU deubiquitinase with linear linkage specificity; plus strand), LOC100130744 (uncharacterized LOC100130744; plus strand). Cytogenetic location: 5p15.2.
Variant type: single nucleotide variant.
Coding change: c.1210T>C on transcript NM_054027.6 (MANE Select); coding-DNA position 1210, T replaced by C.
Protein change: p.Ser404Pro; replaces serine 404 with proline.
Molecular consequence: missense variant. On other transcripts: non-coding transcript variant (1).
Genome position (GRCh38, 1-based): chr5:14,713,599, A>G on the plus strand (T>C on the coding strand, the complement: ANKH is on the minus strand). VCF-style: chr5-14713599-A-G. GRCh37 (hg19) VCF-style: chr5-14713708-A-G.
Other names: c.1210T>C (NM_054027.4); short protein forms S404P.
Identifiers: ClinVar variation 1499295 (VCV001499295.7), dbSNP rs1198150173, ClinGen allele CA359245071.